The following is an entry in ClinVar:

NM_000179.3(MSH6):c.162G>A (p.Gly54=)

Gene: MSH6 (mutS homolog 6; plus strand). Cytogenetic location: 2p16.3.
Variant type: single nucleotide variant.
Coding change: c.162G>A on transcript NM_000179.3 (MANE Select); coding-DNA position 162, G replaced by A.
Protein change: p.Gly54=; no amino-acid change (glycine 54 retained).
Molecular consequence: synonymous variant. On other transcripts: 5 prime UTR variant (1).
Genome position (GRCh38, 1-based): chr2:47,783,395, G>A. VCF-style: chr2-47783395-G-A. GRCh37 (hg19) VCF-style: chr2-48010534-G-A.
Other names: c.162G>A, p.Gly54= (NM_001281492.2); c.-575G>A (NM_001281493.2).
Identifiers: ClinVar variation 758514 (VCV000758514.15), dbSNP rs1572698241, ClinGen allele CA346734969.

ClinVar aggregate classification (germline): Benign/Likely benign. Review status: criteria provided, multiple submitters, no conflicts (2 of 4 stars). 4 submissions from 4 submitters: Benign (1); Likely benign (3). Last evaluated 2024-12-17.

Conditions:
Hereditary cancer-predisposing syndrome. Also called: Tumor predisposition; Neoplastic Syndromes, Hereditary; Hereditary Cancer Syndrome; Hereditary neoplastic syndrome. Identifiers: Orphanet 140162, MedGen C0027672, MeSH D009386, MONDO:0015356.
Lynch syndrome 5 (LYNCH5). Also called: Colorectal cancer, hereditary nonpolyposis, type 5; Hereditary non-polyposis colorectal cancer, type 5. Identifiers: Orphanet 144, MedGen C1833477, MONDO:0013710, OMIM 614350. Disease mechanism: loss of function.
Hereditary nonpolyposis colorectal neoplasms. Identifiers: MedGen C0009405, MeSH D003123.

Submissions (4):

Myriad Genetics, Inc.
Classification: Benign for Lynch syndrome 5. Last evaluated: 2024-12-17. Review status: criteria provided, single submitter. Criteria: Myriad Autosomal Dominant, Autosomal Recessive and X-Linked Classification Criteria (2023). Collection method: clinical testing. Allele origin: unknown.
Comment: This variant is considered benign. This variant is a silent/synonymous amino acid change and it is not expected to impact splicing.

Labcorp Genetics (formerly Invitae), Labcorp
Classification: Likely benign for Hereditary nonpolyposis colorectal neoplasms. Last evaluated: 2022-09-27. Review status: criteria provided, single submitter. Criteria: Invitae Variant Classification Sherloc (09022015). Collection method: clinical testing. Allele origin: germline.

Ambry Genetics
Classification: Likely benign for Hereditary cancer-predisposing syndrome. Last evaluated: 2020-11-09. Review status: criteria provided, single submitter. Criteria: Ambry Variant Classification Scheme 2023. Collection method: clinical testing. Allele origin: germline.

Color Diagnostics, LLC DBA Color Health
Classification: Likely benign for Hereditary cancer-predisposing syndrome. Last evaluated: 2018-12-10. Review status: criteria provided, single submitter. Criteria: ACMG Guidelines, 2015. Collection method: clinical testing. Allele origin: germline.